The following is an entry in ClinVar:

ClinVar aggregate classification (germline): Uncertain significance (1 of 4 stars; one submission).

Conditions:
Fanconi anemia (FA). Also called: Fanconi's anemia. Identifiers: Orphanet 84, MedGen C0015625, MeSH D005199, MONDO:0019391.

Allele frequency attached by ClinVar (database versions not stated): gnomAD exomes below 0.00001; ExAC 0.00001.

Submission:

Labcorp Genetics (formerly Invitae), Labcorp
Classification: Uncertain significance for Fanconi anemia. Last evaluated: 2021-06-05. Review status: criteria provided, single submitter. Criteria: Invitae Variant Classification Sherloc (09022015). Collection method: clinical testing. Allele origin: germline.
Comment: This sequence change replaces proline with serine at codon 190 of the SLX4 protein (p.Pro190Ser). The proline residue is weakly conserved and there is a moderate physicochemical difference between proline and serine. This variant is present in population databases (rs753758188, ExAC 0.01%). This variant has not been reported in the literature in individuals with SLX4-related conditions. Algorithms developed to predict the effect of missense changes on protein structure and function output the following: SIFT: "Deleterious"; PolyPhen-2: "Benign"; Align-GVGD: "Class C0". The serine amino acid residue is found in multiple mammalian species, suggesting that this missense change does not adversely affect protein function. These predictions have not been confirmed by published functional studies and their clinical significance is uncertain. In summary, the available evidence is currently insufficient to determine the role of this variant in disease. Therefore, it has been classified as a Variant of Uncertain Significance.

NM_032444.4(SLX4):c.568C>T (p.Pro190Ser)

Gene: SLX4 (SLX4 structure-specific endonuclease subunit; minus strand). Cytogenetic location: 16p13.3.
Variant type: single nucleotide variant.
Coding change: c.568C>T on transcript NM_032444.4 (MANE Select); coding-DNA position 568, C replaced by T.
Protein change: p.Pro190Ser; replaces proline 190 with serine.
Molecular consequence: missense variant.
Genome position (GRCh38, 1-based): chr16:3,606,666, G>A on the plus strand (C>T on the coding strand, the complement: SLX4 is on the minus strand). VCF-style: chr16-3606666-G-A. GRCh37 (hg19) VCF-style: chr16-3656667-G-A.
Other names: short protein forms P190S.
Identifiers: ClinVar variation 1433284 (VCV001433284.8), dbSNP rs753758188, ClinGen allele CA7866820.